The following is an entry in ClinVar:

ClinVar aggregate classification (germline): Pathogenic. Review status: reviewed by expert panel (3 of 4 stars). 9 submissions from 9 submitters: Pathogenic (1). 8 of the submissions do not count toward it. Last evaluated 2016-09-08.

Conditions:
Hereditary cancer-predisposing syndrome. Also called: Hereditary Cancer Syndrome; Tumor predisposition; Neoplastic Syndromes, Hereditary; Hereditary neoplastic syndrome. Identifiers: Orphanet 140162, MedGen C0027672, MeSH D009386, MONDO:0015356.
Hereditary breast ovarian cancer syndrome. Also called: Breast and ovarian cancer; BRCA1- and BRCA2-Associated Hereditary Breast and Ovarian Cancer; Hereditary breast and ovarian cancer; Hereditary breast and ovarian cancer syndrome (HBOC); Hereditary breast and ovarian cancer syndrome; Hereditary breast and/or ovarian cancer syndrome. Identifiers: Orphanet 145, MedGen C0677776, MeSH D061325, MONDO:0003582. Disease mechanism: loss of function.
Breast-ovarian cancer, familial, susceptibility to, 2 (BROVCA2). Also called: BRCA2 Hereditary Breast and Ovarian Cancer. Identifiers: Orphanet 145, MedGen C2675520, MONDO:0012933, OMIM 612555. Disease mechanism: loss of function.

Submissions (9):

Evidence-based Network for the Interpretation of Germline Mutant Alleles (ENIGMA)
Classification: Pathogenic for Breast-ovarian cancer, familial, susceptibility to, 2. Last evaluated: 2016-09-08. Review status: reviewed by expert panel. Criteria: ENIGMA BRCA1/2 Classification Criteria (2015). Collection method: curation. Allele origin: germline.
Comment: Variant allele predicted to encode a truncated non-functional protein.

Labcorp Genetics (formerly Invitae), Labcorp
Classification: Pathogenic for Hereditary breast ovarian cancer syndrome. Last evaluated: 2025-07-23. Review status: criteria provided, single submitter. Criteria: Invitae Variant Classification Sherloc (09022015). Collection method: clinical testing. Allele origin: germline. Not counted in ClinVar's aggregate classification.
Comment: This sequence change creates a premature translational stop signal (p.Thr2482Glnfs*42) in the BRCA2 gene. It is expected to result in an absent or disrupted protein product. Loss-of-function variants in BRCA2 are known to be pathogenic (PMID: 20104584). This variant is not present in population databases (gnomAD no frequency). This premature translational stop signal has been observed in individual(s) with breast cancer (PMID: 30175445). ClinVar contains an entry for this variant (Variation ID: 52333). For these reasons, this variant has been classified as Pathogenic.

Color Diagnostics, LLC DBA Color Health
Classification: Pathogenic for Hereditary cancer-predisposing syndrome. Last evaluated: 2024-07-16. Review status: criteria provided, single submitter. Criteria: ACMG Guidelines, 2015. Collection method: clinical testing. Allele origin: germline. Not counted in ClinVar's aggregate classification.
Comment: This variant deletes 1 nucleotide in exon 15 of the BRCA2 gene, creating a frameshift and premature translation stop signal. This variant is expected to result in an absent or non-functional protein product. This variant has been reported in individuals with a personal or family history of breast or ovarian cancer (PMID: 29446198, 30175445). This variant has not been identified in the general population by the Genome Aggregation Database (gnomAD). Loss of BRCA2 function is a known mechanism of disease. Based on the available evidence, this variant is classified as Pathogenic.

Quest Diagnostics Nichols Institute San Juan Capistrano
Classification: Pathogenic. Last evaluated: 2020-12-29. Review status: criteria provided, single submitter. Criteria: Quest Diagnostics criteria. Collection method: clinical testing. Allele origin: unknown. Not counted in ClinVar's aggregate classification.
Comment: This frameshift variant causes the premature termination of BRCA2 protein synthesis. It has been reported in an individual with breast cancer in the published literature (PMID: 30175445 (2019)). This variant has not been reported in large, multi-ethnic general populations. Therefore, the variant is classified as pathogenic.

Ambry Genetics
Classification: Pathogenic for Hereditary cancer-predisposing syndrome. Last evaluated: 2020-09-17. Review status: criteria provided, single submitter. Criteria: Ambry Variant Classification Scheme 2023. Collection method: clinical testing. Allele origin: germline. Not counted in ClinVar's aggregate classification.
Comment: The c.7443delT pathogenic mutation, located in coding exon 14 of the BRCA2 gene, results from a deletion of one nucleotide at nucleotide position 7443, causing a translational frameshift with a predicted alternate stop codon (p.T2482Qfs*42). This alteration was identified in a large, worldwide study of BRCA1/2 mutation-positive families (Rebbeck TR et al. Hum. Mutat. 2018 05;39:593-620). This alteration was also identified in a cohort of unselected breast cancer patients in Sweden (Li J et al. Int. J. Cancer. 2019 03;144:1195-1204). This alteration is expected to result in loss of function by premature protein truncation or nonsense-mediated mRNA decay. As such, this alteration is interpreted as a disease-causing mutation.

CeGaT Center for Human Genetics Tuebingen
Classification: Pathogenic. Last evaluated: 2018-02-01. Review status: criteria provided, single submitter. Criteria: CeGaT Center For Human Genetics Tuebingen Variant Classification Criteria Version 2. Collection method: clinical testing. Allele origin: germline. Affected: yes. Observed: 1 variant allele. Not counted in ClinVar's aggregate classification.

Consortium of Investigators of Modifiers of BRCA1/2 (CIMBA), c/o University of Cambridge
Classification: Pathogenic for Breast-ovarian cancer, familial, susceptibility to, 2. Last evaluated: 2015-10-02. Review status: criteria provided, single submitter. Criteria: CIMBA Mutation Classification guidelines May 2016. Collection method: clinical testing. Allele origin: germline. Not counted in ClinVar's aggregate classification.

BRCAlab, Lund University
Classification: Pathogenic for Breast-ovarian cancer, familial, susceptibility to, 2. Last evaluated: 2020-03-02. Review status: no assertion criteria provided. Collection method: clinical testing. Allele origin: germline. Affected: yes. Not counted in ClinVar's aggregate classification.

Breast Cancer Information Core (BIC) (BRCA2)
Classification: Pathogenic for Breast-ovarian cancer, familial 2. Review status: no assertion criteria provided. Collection method: clinical testing. Allele origin: germline. Affected: yes. Observed: 1 variant allele. Not counted in ClinVar's aggregate classification.

Literature cited by the submitters: PubMed 20104584 (cited by Labcorp Genetics (formerly Invitae), Labcorp); PubMed 30175445 (cited by 4 submitters); PubMed 29446198 (cited by Color Diagnostics, LLC DBA Color Health and Ambry Genetics).

NM_000059.4(BRCA2):c.7443del (p.Thr2482fs)

Gene: BRCA2 (BRCA2 DNA repair associated; plus strand). Cytogenetic location: 13q13.1.
Variant type: Deletion.
Coding change: c.7443del on transcript NM_000059.4 (MANE Select); coding-DNA position 7443, one base deleted (T; older notation c.7443delT).
Protein change: p.Thr2482fs; shifts the reading frame from threonine 2482.
Molecular consequence: frameshift variant.
Genome position (GRCh38, 1-based): chr13:32,356,435, T deleted; the last of 2 consecutive T bases (chr13:32,356,434-32,356,435); deleting either gives the same sequence. VCF-style (leftmost placement, unchanged base first): chr13-32356433-AT-A. GRCh37 (hg19) VCF-style: chr13-32930570-AT-A.
Other names: 7671delT; c.7443delT (NM_000059.3).
Identifiers: ClinVar variation 52333 (VCV000052333.55), dbSNP rs80359652, ClinGen allele CA025092.
Genomic context (GRCh38, chr13:32,356,433, plus strand): 5'-GGTTGTGCTTTTTAAATTTCAATTTTATTTTTGCTAAGTATTTATTCTTTGATAGATTTA[AT>A]TACAAGTCTTCAGAATGCCAGAGATATACAGGATATGCGAATTAAGAAGAAACAAAGGCA-3'